The following is an entry in ClinVar:

ClinVar aggregate classification (germline): Uncertain significance. Review status: criteria provided, single submitter (1 of 4 stars). 2 submissions from 2 submitters: Uncertain significance (1). 1 of the submissions does not count toward it. Last evaluated 2024-04-01.

Conditions:
CACNA1A-related disorder. Also called: CACNA1A-related condition.
Episodic ataxia type 2 (EA2). Also called: CEREBELLAR ATAXIA, PAROXYSMAL, ACETAZOLAMIDE-RESPONSIVE; CEREBELLOPATHY, HEREDITARY PAROXYSMAL; EPISODIC ATAXIA, NYSTAGMUS-ASSOCIATED; ACETAZOLAMIDE-RESPONSIVE HEREDITARY PAROXYSMAL CEREBELLAR ATAXIA; ATAXIA, EPISODIC, WITH NYSTAGMUS; ATAXIA, FAMILIAL PAROXYSMAL. Identifiers: Orphanet 97, MedGen C1720416, MONDO:0007163, OMIM 108500.
Developmental and epileptic encephalopathy, 42 (DEE42A). Also called: Epileptic encephalopathy, early infantile, 42; DEVELOPMENTAL AND EPILEPTIC ENCEPHALOPATHY 42A; EPILEPTIC ENCEPHALOPATHY, EARLY INFANTILE, 42A. Identifiers: MedGen C4310716, MONDO:0014917, OMIM 617106.

Submissions (2):

Labcorp Genetics (formerly Invitae), Labcorp
Classification: Uncertain significance for Developmental and epileptic encephalopathy, 42; Episodic ataxia type 2. Last evaluated: 2024-04-01. Review status: criteria provided, single submitter. Criteria: Invitae Variant Classification Sherloc (09022015). Collection method: clinical testing. Allele origin: germline.
Comment: This sequence change replaces glycine, which is neutral and non-polar, with aspartic acid, which is acidic and polar, at codon 2177 of the CACNA1A protein (p.Gly2177Asp). This variant is not present in population databases (gnomAD no frequency). This variant has not been reported in the literature in individuals affected with CACNA1A-related conditions. An algorithm developed to predict the effect of missense changes on protein structure and function (PolyPhen-2) suggests that this variant is likely to be disruptive. In summary, the available evidence is currently insufficient to determine the role of this variant in disease. Therefore, it has been classified as a Variant of Uncertain Significance.

PreventionGenetics, part of Exact Sciences
Classification: Uncertain significance for CACNA1A-related condition. Last evaluated: 2024-06-06. Review status: no assertion criteria provided. Collection method: clinical testing. Allele origin: germline. Not counted in ClinVar's aggregate classification.
Comment: The CACNA1A c.6527G>A variant is predicted to result in the amino acid substitution p.Gly2176Asp. To our knowledge, this variant has not been reported in the literature or in a large population database, indicating this variant is rare. This variant is located at the first base of an exon, but is not strongly predicted to impact splicing based on available splicing prediction programs (SpliceAI, Jaganathan et al. 2019. PubMed ID: 30661751). At this time, the clinical significance of this variant is uncertain due to the absence of conclusive functional and genetic evidence.

NM_001127222.2(CACNA1A):c.6527G>A (p.Gly2176Asp)

Gene: CACNA1A (calcium voltage-gated channel subunit alpha1 A; minus strand). Cytogenetic location: 19p13.13.
Variant type: single nucleotide variant.
Coding change: c.6527G>A on transcript NM_001127222.2 (MANE Select); coding-DNA position 6527, G replaced by A.
Protein change: p.Gly2176Asp; replaces glycine 2176 with aspartic acid.
Molecular consequence: missense variant.
Genome position (GRCh38, 1-based): chr19:13,209,009, C>T on the plus strand (G>A on the coding strand, the complement: CACNA1A is on the minus strand). VCF-style: chr19-13209009-C-T. GRCh37 (hg19) VCF-style: chr19-13319823-C-T.
Other names: c.6527G>A (NM_001127222.1); c.6545G>A, p.Gly2182Asp (NM_000068.4, NM_023035.3); c.6530G>A, p.Gly2177Asp (NM_001127221.2); c.6536G>A, p.Gly2179Asp (NM_001174080.2); short protein forms G2179D, G2182D, G2176D, G2177D.
Identifiers: ClinVar variation 2947516 (VCV002947516.4), dbSNP rs763045560, ClinGen allele CA404330698.